The following is an entry in ClinVar:

ClinVar aggregate classification (germline): Uncertain significance (1 of 4 stars; one submission).

Allele frequency attached by ClinVar (database versions not stated): ExAC 0.00002; TOPMed 0.00002; gnomAD exomes 0.00004.
gnomAD v4.1: 11 of 1,613,888 alleles (0.00068%); highest among the groups gnomAD compares: Admixed American, 0.018%; no homozygotes.

Submission:

Labcorp Genetics (formerly Invitae), Labcorp
Classification: Uncertain significance. Last evaluated: 2025-08-14. Review status: criteria provided, single submitter. Criteria: Invitae Variant Classification Sherloc (09022015). Collection method: clinical testing. Allele origin: germline.
Comment: This sequence change replaces alanine, which is neutral and non-polar, with glycine, which is neutral and non-polar, at codon 212 of the DNM1L protein (p.Ala212Gly). This variant is present in population databases (rs750138115, gnomAD 0.03%). This variant has not been reported in the literature in individuals affected with DNM1L-related conditions. ClinVar contains an entry for this variant (Variation ID: 1424280). An algorithm developed to predict the effect of missense changes on protein structure and function (PolyPhen-2) suggests that this variant is likely to be tolerated. In summary, the available evidence is currently insufficient to determine the role of this variant in disease. Therefore, it has been classified as a Variant of Uncertain Significance.

NM_012062.5(DNM1L):c.635C>G (p.Ala212Gly)

Gene: DNM1L (dynamin 1 like; plus strand). Cytogenetic location: 12p11.21.
Variant type: single nucleotide variant.
Coding change: c.635C>G on transcript NM_012062.5 (MANE Select); coding-DNA position 635, C replaced by G.
Protein change: p.Ala212Gly; replaces alanine 212 with glycine.
Molecular consequence: missense variant. On other transcripts: intron variant (1).
Genome position (GRCh38, 1-based): chr12:32,718,658, C>G. VCF-style: chr12-32718658-C-G. GRCh37 (hg19) VCF-style: chr12-32871592-C-G.
Other names: c.635C>G, p.Ala212Gly (NM_001278463.2, NM_005690.5, NM_012063.4); c.674C>G, p.Ala225Gly (NM_001278464.2, NM_001278465.2, NM_001330380.2); c.132-2006C>G (NM_001278466.2); short protein forms A225G, A212G.
Identifiers: ClinVar variation 1424280 (VCV001424280.8), dbSNP rs750138115, ClinGen allele CA6507389.
Genomic context (GRCh38, chr12:32,718,658, plus strand): 5'-ATTTTCTTTCTTTTCTTTGCCCTTTTTTCTTTTTGCATTTACCAGGTCGCAGAACCCTAG[C>G]TGTAATCACTAAACTTGATCTCATGGATGCGGGTACTGATGCCATGGATGTATTGATGGG-3'
Protein context (NP_036192.2, residues 202-222): EVDPDGRRTL[Ala212Gly]VITKLDLMDA